The following is an entry in ClinVar:

NM_138348.6(OTULIN):c.18G>A (p.Met6Ile)

Gene: OTULIN (OTU deubiquitinase with linear linkage specificity; plus strand). Cytogenetic location: 5p15.2.
Variant type: single nucleotide variant.
Coding change: c.18G>A on transcript NM_138348.6 (MANE Select); coding-DNA position 18, G replaced by A.
Protein change: p.Met6Ile; replaces methionine 6 with isoleucine.
Molecular consequence: missense variant.
Genome position (GRCh38, 1-based): chr5:14,664,843, G>A. VCF-style: chr5-14664843-G-A. GRCh37 (hg19) VCF-style: chr5-14664952-G-A.
Other names: short protein forms M6I.
Identifiers: ClinVar variation 4693940 (VCV004693940.1).
Genomic context (GRCh38, chr5:14,664,843, plus strand): 5'-ATCGTTCGGAGCCGGCTGAACCCCTTCGGCCGCGAGCGACCGCATGAGTCGGGGGACTAT[G>A]CCCCAGCCCGAAGCGTGGCCAGGCGCGAGCTGCGCCGAGACGCCGGCGCGGGAGGCGGCG-3'
Protein context (NP_612357.4, residues 1-16): MSRGT[Met6Ile]PQPEAWPGAS

ClinVar aggregate classification (germline): Uncertain significance (1 of 4 stars; one submission).

Submission:

Labcorp Genetics (formerly Invitae), Labcorp
Classification: Uncertain significance. Last evaluated: 2025-11-23. Review status: criteria provided, single submitter. Criteria: Invitae Variant Classification Sherloc (09022015). Collection method: clinical testing. Allele origin: germline.
Comment: This sequence change replaces methionine, which is neutral and non-polar, with isoleucine, which is neutral and non-polar, at codon 6 of the OTULIN protein (p.Met6Ile). This variant is not present in population databases (gnomAD no frequency). This variant has not been reported in the literature in individuals affected with OTULIN-related conditions. An algorithm developed to predict the effect of missense changes on protein structure and function (PolyPhen-2) suggests that this variant is likely to be disruptive. In summary, the available evidence is currently insufficient to determine the role of this variant in disease. Therefore, it has been classified as a Variant of Uncertain Significance.